The following is an entry in ClinVar:

ClinVar aggregate classification (germline): Uncertain significance (1 of 4 stars; one submission).

Submission:

Labcorp Genetics (formerly Invitae), Labcorp
Classification: Uncertain significance. Last evaluated: 2022-03-06. Review status: criteria provided, single submitter. Criteria: Invitae Variant Classification Sherloc (09022015). Collection method: clinical testing. Allele origin: germline.
Comment: In summary, the available evidence is currently insufficient to determine the role of this variant in disease. Therefore, it has been classified as a Variant of Uncertain Significance. Algorithms developed to predict the effect of missense changes on protein structure and function are either unavailable or do not agree on the potential impact of this missense change (SIFT: "Deleterious"; PolyPhen-2: "Benign"; Align-GVGD: "Class C0"). This variant has not been reported in the literature in individuals affected with GPR179-related conditions. This variant is not present in population databases (gnomAD no frequency). This sequence change replaces valine, which is neutral and non-polar, with phenylalanine, which is neutral and non-polar, at codon 1734 of the GPR179 protein (p.Val1734Phe).

NM_001004334.4(GPR179):c.5200G>T (p.Val1734Phe)

Gene: GPR179 (G protein-coupled receptor 179; minus strand). Cytogenetic location: 17q12.
Variant type: single nucleotide variant.
Coding change: c.5200G>T on transcript NM_001004334.4 (MANE Select); coding-DNA position 5200, G replaced by T.
Protein change: p.Val1734Phe; replaces valine 1734 with phenylalanine.
Molecular consequence: missense variant.
Genome position (GRCh38, 1-based): chr17:38,328,369, C>A on the plus strand (G>T on the coding strand, the complement: GPR179 is on the minus strand). VCF-style: chr17-38328369-C-A. GRCh37 (hg19) VCF-style: chr17-36484252-C-A.
Other names: short protein forms V1734F.
Identifiers: ClinVar variation 2107485 (VCV002107485.4), dbSNP rs2512157840, ClinGen allele CA398873003.